The following is an entry in ClinVar:

ClinVar aggregate classification (germline): Pathogenic. Review status: reviewed by expert panel (3 of 4 stars). 7 submissions from 7 submitters: Pathogenic (1). 6 of the submissions do not count toward it. Last evaluated 2015-08-10.

Conditions:
Hereditary cancer-predisposing syndrome. Also called: Tumor predisposition; Neoplastic Syndromes, Hereditary; Hereditary Cancer Syndrome; Hereditary neoplastic syndrome. Identifiers: Orphanet 140162, MedGen C0027672, MeSH D009386, MONDO:0015356.
Hereditary breast ovarian cancer syndrome. Also called: Hereditary breast and ovarian cancer syndrome (HBOC); Hereditary breast and ovarian cancer syndrome; Hereditary breast and ovarian cancer; Hereditary breast and/or ovarian cancer syndrome; Breast and ovarian cancer; BRCA1- and BRCA2-Associated Hereditary Breast and Ovarian Cancer. Identifiers: Orphanet 145, MedGen C0677776, MeSH D061325, MONDO:0003582. Disease mechanism: loss of function.
Breast-ovarian cancer, familial, susceptibility to, 1 (BROVCA1). Also called: OVARIAN CANCER, SUSCEPTIBILITY TO; BRCA1 Hereditary Breast and Ovarian Cancer. Identifiers: Orphanet 145, MedGen C2676676, MONDO:0011450, OMIM 604370. Disease mechanism: loss of function.

Submissions (7):

Evidence-based Network for the Interpretation of Germline Mutant Alleles (ENIGMA)
Classification: Pathogenic for Breast-ovarian cancer, familial 1. Last evaluated: 2015-08-10. Review status: reviewed by expert panel. Criteria: ENIGMA BRCA1/2 Classification Criteria (2015). Collection method: curation. Allele origin: germline.
Comment: IARC class based on posterior probability from multifactorial likelihood analysis, thresholds for class as per Plon et al. 2008 (PMID: 18951446). Class 5 based on posterior probability = 1

Baylor Genetics
Classification: Pathogenic for Breast-ovarian cancer, familial, susceptibility to, 1. Last evaluated: 2022-05-22. Review status: criteria provided, single submitter. Criteria: ACMG Guidelines, 2015. Collection method: clinical testing. Allele origin: unknown. Not counted in ClinVar's aggregate classification.

Genetics Program, Instituto Nacional de Cancer
Classification: Pathogenic for Hereditary breast ovarian cancer syndrome. Last evaluated: 2021-11-01. Review status: criteria provided, single submitter. Criteria: ACMG Guidelines, 2015. Collection method: research. Allele origin: germline. Affected: yes. Not counted in ClinVar's aggregate classification.

Ambry Genetics
Classification: Likely pathogenic for Hereditary cancer-predisposing syndrome. Last evaluated: 2020-01-30. Review status: criteria provided, single submitter. Criteria: Ambry Variant Classification Scheme 2023. Collection method: clinical testing. Allele origin: germline. Not counted in ClinVar's aggregate classification.
Comment: The c.4097-1G>A intronic variant results from a G to A substitution one nucleotide upstream from coding exon 10 of the BRCA1 gene. This alteration was identified in a cohort of Chinese ovarian cancer patients (Deng H et al. Mol Genet Genomic Med. 2019 Jun;7:e672). This nucleotide position is highly conserved in available vertebrate species. In addition, the BDGP and ESEfinder in silico splicing models predict the creation of a new alternate splice donor site. This variant was not reported in population-based cohorts in the Genome Aggregation Database (gnomAD). Alterations that disrupt the canonical splice site are expected to cause aberrant splicing, resulting in an abnormal protein or a transcript that is subject to nonsense-mediated mRNA decay. As such, this alteration is classified as likely pathogenic.

Labcorp Genetics (formerly Invitae), Labcorp
Classification: Pathogenic for Hereditary breast ovarian cancer syndrome. Last evaluated: 2019-08-11. Review status: criteria provided, single submitter. Criteria: Invitae Variant Classification Sherloc (09022015). Collection method: clinical testing. Allele origin: germline. Not counted in ClinVar's aggregate classification.
Comment: For these reasons, this variant has been classified as Pathogenic. Donor and acceptor splice site variants typically lead to a loss of protein function (PMID: 16199547), and loss-of-function variants in BRCA1 are known to be pathogenic (PMID: 20104584). Algorithms developed to predict the effect of sequence changes on RNA splicing suggest that this variant may disrupt the consensus splice site, but this prediction has not been confirmed by published transcriptional studies. Based on a multifactorial likelihood algorithm using genetic data, this variant has been determined to have a high probability of being pathogenic (PMID: 21990134). This variant has been observed in individuals referred for genetic testing (PMID: 17924331). This variant is also known as IVS11-1G>A in the literature. ClinVar contains an entry for this variant (Variation ID: 37567). This variant is not present in population databases (ExAC no frequency). This sequence change affects an acceptor splice site in intron 10 of the BRCA1 gene. It is expected to disrupt RNA splicing and likely results in an absent or disrupted protein product.

Sharing Clinical Reports Project (SCRP)
Classification: Pathogenic for Breast-ovarian cancer, familial 1. Last evaluated: 2008-12-23. Review status: no assertion criteria provided. Collection method: clinical testing. Allele origin: germline. Not counted in ClinVar's aggregate classification.

Breast Cancer Information Core (BIC) (BRCA1)
Classification: Pathogenic for Breast-ovarian cancer, familial 1. Last evaluated: 2004-11-25. Review status: no assertion criteria provided. Collection method: clinical testing. Allele origin: germline. Affected: yes. Observed: 1 variant allele. Not counted in ClinVar's aggregate classification.

Literature cited by the submitters: PubMed 21990134 (cited by Evidence-based Network for the Interpretation of Germline Mutant Alleles (ENIGMA) and Labcorp Genetics (formerly Invitae), Labcorp); PubMed 36329109 (cited by Genetics Program, Instituto Nacional de Cancer); PubMed 30972954 (cited by Ambry Genetics); PubMed 16199547 (cited by Labcorp Genetics (formerly Invitae), Labcorp); PubMed 20104584 (cited by Labcorp Genetics (formerly Invitae), Labcorp); PubMed 17924331 (cited by Labcorp Genetics (formerly Invitae), Labcorp).

NM_007294.4(BRCA1):c.4097-1G>A

Gene: BRCA1 (BRCA1 DNA repair associated; minus strand). Cytogenetic location: 17q21.31.
Variant type: single nucleotide variant.
Coding change: c.4097-1G>A on transcript NM_007294.4 (MANE Select); the canonical splice acceptor site of the intron before coding-DNA position 4097, G replaced by A.
Molecular consequence: splice acceptor variant. On other transcripts: intron variant (1).
Genome position (GRCh38, 1-based): chr17:43,091,033, C>T on the plus strand (G>A on the coding strand, the complement: BRCA1 is on the minus strand). VCF-style: chr17-43091033-C-T. GRCh37 (hg19) VCF-style: chr17-41243050-C-T.
Other names: IVS11-1G>A; c.647-1G>A (NM_001408458.1, NM_001408469.1, NM_001408453.1 and 11 more transcripts); c.3209-1G>A (NM_001407967.1, NM_001407966.1); c.3716-1G>A (NM_001407959.1, NM_001407963.1, NM_001407960.1); c.3830-1G>A (NM_001407931.1, NM_001407932.1, NM_001407934.1 and 2 more transcripts); c.3953-1G>A (NM_001407747.1, NM_001407848.1, NM_001407839.1 and 20 more transcripts); c.3713-1G>A (NM_001407962.1); c.284-1G>A (NM_001408512.1); and 42 more.
Identifiers: ClinVar variation 37567 (VCV000037567.39), dbSNP rs80358070, ClinGen allele CA002624.